The following is an entry in ClinVar:

ClinVar aggregate classification (germline): Likely benign (1 of 4 stars; one submission).

Allele frequency attached by ClinVar (database versions not stated): gnomAD exomes 0.00002; ExAC 0.00003; gnomAD 0.00003; TOPMed 0.00004.
gnomAD v4.1: 39 of 1,612,982 alleles (0.0024%); highest among the groups gnomAD compares: Admixed American, 0.025%; no homozygotes.

Submission:

CeGaT Center for Human Genetics Tuebingen
Classification: Likely benign. Last evaluated: 2024-06-01. Review status: criteria provided, single submitter. Criteria: CeGaT Center For Human Genetics Tuebingen Variant Classification Criteria Version 2. Collection method: clinical testing. Allele origin: germline. Affected: yes. Observed: 2 variant alleles.
Comment: TTN: BP4

NM_001267550.2(TTN):c.11311+4934C>G

Genes: TTN (titin; minus strand), LOC126806432 (CDK7 strongly-dependent group 2 enhancer GRCh37_chr2:179611985-179613184; plus strand). Cytogenetic location: 2q31.2.
Variant type: single nucleotide variant.
Coding change: c.11311+4934C>G on transcript NM_001267550.2 (MANE Select); 4934 bases into the intron after coding-DNA position 11311, C replaced by G.
Molecular consequence: intron variant. On other transcripts: missense variant (1).
Genome position (GRCh38, 1-based): chr2:178,748,190, G>C on the plus strand (C>G on the coding strand, the complement: TTN is on the minus strand). VCF-style: chr2-178748190-G-C. GRCh37 (hg19) VCF-style: chr2-179612917-G-C.
Other names: c.14210C>G, p.Pro4737Arg (NM_133379.5); c.10222+4934C>G (NM_003319.4); c.10798+4934C>G (NM_133437.4); c.10597+4934C>G (NM_133432.3); c.10360+4934C>G (NM_133378.4, NM_001256850.1); short protein forms P4737R.
Identifiers: ClinVar variation 3067352 (VCV003067352.21), dbSNP rs749114569, ClinGen allele CA2003284.
Genomic context (GRCh38, chr2:178,748,190, plus strand): 5'-TTTTCTAGAGGACAACTTTTCTCAGAAAGATCAGTTTCTTCTATATCTGCAGATGAGGTT[G>C]GAAGTAGGGCACATGATTCACTATAGATTTCTTCAGAAAAGGATTTAAGAGAAAGATCAG-3'